The following is an entry in ClinVar:

ClinVar aggregate classification (germline): Uncertain significance (1 of 4 stars; one submission).

Allele frequency attached by ClinVar (database versions not stated): TOPMed 0.00001; gnomAD exomes 0.00002; gnomAD 0.00001; ExAC 0.00001.

Submission:

Labcorp Genetics (formerly Invitae), Labcorp
Classification: Uncertain significance. Last evaluated: 2025-10-27. Review status: criteria provided, single submitter. Criteria: Invitae Variant Classification Sherloc (09022015). Collection method: clinical testing. Allele origin: germline.
Comment: This sequence change replaces arginine, which is basic and polar, with histidine, which is basic and polar, at codon 59 of the NDUFA1 protein (p.Arg59His). This variant is present in population databases (rs746256856, gnomAD 0.002%), including at least one homozygous and/or hemizygous individual. This variant has not been reported in the literature in individuals affected with NDUFA1-related conditions. ClinVar contains an entry for this variant (Variation ID: 2912795). An algorithm developed to predict the effect of missense changes on protein structure and function outputs the following: PolyPhen-2: "Benign". The histidine amino acid residue is found in multiple mammalian species, which suggests that this missense change does not adversely affect protein function. In summary, the available evidence is currently insufficient to determine the role of this variant in disease. Therefore, it has been classified as a Variant of Uncertain Significance.

NM_004541.4(NDUFA1):c.176G>A (p.Arg59His)

Gene: NDUFA1 (NADH:ubiquinone oxidoreductase subunit A1; plus strand). Cytogenetic location: Xq24.
Variant type: single nucleotide variant.
Coding change: c.176G>A on transcript NM_004541.4 (MANE Select); coding-DNA position 176, G replaced by A.
Protein change: p.Arg59His; replaces arginine 59 with histidine.
Molecular consequence: missense variant.
Genome position (GRCh38, 1-based): chrX:119,873,377, G>A. VCF-style: chrX-119873377-G-A. GRCh37 (hg19) VCF-style: chrX-119007340-G-A.
Other names: short protein forms R59H.
Identifiers: ClinVar variation 2912795 (VCV002912795.3), dbSNP rs746256856, ClinGen allele CA10503558.